The following is an entry in ClinVar:

ClinVar aggregate classification (germline): Likely benign (1 of 4 stars; one submission).

gnomAD v4.1: 5 of 1,607,500 alleles (0.00031%); highest among the groups gnomAD compares: East Asian, 0.0022%; no homozygotes.

Submission:

CeGaT Center for Human Genetics Tuebingen
Classification: Likely benign. Last evaluated: 2026-01-01. Review status: criteria provided, single submitter. Criteria: CeGaT Center For Human Genetics Tuebingen Variant Classification Criteria Version 2. Collection method: clinical testing. Allele origin: germline. Affected: yes. Observed: 1 variant allele.
Comment: ROBO1: BP4, BP7

NM_002941.4(ROBO1):c.2073C>T (p.Ile691=)

Gene: ROBO1 (roundabout guidance receptor 1; minus strand). Cytogenetic location: 3p12.3.
Variant type: single nucleotide variant.
Coding change: c.2073C>T on transcript NM_002941.4 (MANE Select); coding-DNA position 2073, C replaced by T.
Protein change: p.Ile691=; no amino-acid change (isoleucine 691 retained).
Molecular consequence: synonymous variant.
Genome position (GRCh38, 1-based): chr3:78,662,008, G>A on the plus strand (C>T on the coding strand, the complement: ROBO1 is on the minus strand). VCF-style: chr3-78662008-G-A. GRCh37 (hg19) VCF-style: chr3-78711158-G-A.
Other names: c.1965C>T, p.Ile655= (NM_001145845.2, NM_133631.4).
Identifiers: ClinVar variation 4821666 (VCV004821666.4).